The following is an entry in ClinVar:

ClinVar aggregate classification (germline): Uncertain significance. Review status: criteria provided, multiple submitters, no conflicts (2 of 4 stars). 3 submissions from 3 submitters: Uncertain significance (3). Last evaluated 2025-01-23.

Allele frequency attached by ClinVar (database versions not stated): gnomAD 0.00001 and 0.00002; gnomAD exomes 0.00002 and 0.00016; TOPMed 0.00009; ExAC 0.00013.
gnomAD v4.1: 35 of 1,608,790 alleles (0.0022%); highest among the groups gnomAD compares: East Asian, 0.069%; no homozygotes.

Submissions (3):

Labcorp Genetics (formerly Invitae), Labcorp
Classification: Uncertain significance. Last evaluated: 2025-01-23. Review status: criteria provided, single submitter. Criteria: Invitae Variant Classification Sherloc (09022015). Collection method: clinical testing. Allele origin: germline.
Comment: This sequence change replaces leucine, which is neutral and non-polar, with proline, which is neutral and non-polar, at codon 105 of the WHRN protein (p.Leu105Pro). This variant is present in population databases (rs751083422, gnomAD 0.2%). This variant has not been reported in the literature in individuals affected with WHRN-related conditions. ClinVar contains an entry for this variant (Variation ID: 840896). An algorithm developed to predict the effect of missense changes on protein structure and function (PolyPhen-2) suggests that this variant is likely to be disruptive. In summary, the available evidence is currently insufficient to determine the role of this variant in disease. Therefore, it has been classified as a Variant of Uncertain Significance.

Blueprint Genetics
Classification: Uncertain significance. Last evaluated: 2024-10-07. Review status: criteria provided, single submitter. Criteria: ACMG Guidelines, 2015. Collection method: clinical testing. Allele origin: germline.

GeneDx
Classification: Uncertain significance. Last evaluated: 2024-10-07. Review status: criteria provided, single submitter. Criteria: GeneDx Variant Classification Process June 2021. Collection method: clinical testing. Allele origin: germline. Affected: yes.
Comment: In silico analysis supports that this missense variant has a deleterious effect on protein structure/function; Has not been previously published as pathogenic or benign to our knowledge

NM_015404.4(WHRN):c.314T>C (p.Leu105Pro)

Gene: WHRN (whirlin; minus strand). Cytogenetic location: 9q32.
Variant type: single nucleotide variant.
Coding change: c.314T>C on transcript NM_015404.4 (MANE Select); coding-DNA position 314, T replaced by C.
Protein change: p.Leu105Pro; replaces leucine 105 with proline.
Molecular consequence: missense variant.
Genome position (GRCh38, 1-based): chr9:114,504,488, A>G on the plus strand (T>C on the coding strand, the complement: WHRN is on the minus strand). VCF-style: chr9-114504488-A-G. GRCh37 (hg19) VCF-style: chr9-117266768-A-G.
Other names: c.314T>C (NM_015404.2); c.314T>C, p.Leu105Pro (NM_001173425.2); short protein forms L105P.
Identifiers: ClinVar variation 840896 (VCV000840896.7), dbSNP rs751083422, ClinGen allele CA5206318.
Genomic context (GRCh38, chr9:114,504,488, plus strand): 5'-GGCTGCCTGTAGGGGGTGGTGGCGGGCAGGTAGAGGCCCTCGGCCGTGTATTGGTCGAAG[A>G]GCAGCTGGTCGGAGCGCGGGATGACCAGACGAAGCATGGGCAGCAGGCGCCGCTTGACCG-3'
Protein context (NP_056219.3, residues 95-115): RLVIPRSDQL[Leu105Pro]FDQYTAEGLY